The following is an entry in ClinVar:

NM_001379286.1(ZNF423):c.2846C>T (p.Ser949Leu)

Gene: ZNF423 (zinc finger protein 423; minus strand). Cytogenetic location: 16q12.1.
Variant type: single nucleotide variant.
Coding change: c.2846C>T on transcript NM_001379286.1 (MANE Select); coding-DNA position 2846, C replaced by T.
Protein change: p.Ser949Leu; replaces serine 949 with leucine.
Molecular consequence: missense variant.
Genome position (GRCh38, 1-based): chr16:49,636,330, G>A on the plus strand (C>T on the coding strand, the complement: ZNF423 is on the minus strand). VCF-style: chr16-49636330-G-A. GRCh37 (hg19) VCF-style: chr16-49670241-G-A.
Other names: c.2642C>T, p.Ser881Leu (NM_001271620.2); c.2471C>T, p.Ser824Leu (NM_001330533.2); c.2822C>T, p.Ser941Leu (NM_015069.5); short protein forms S881L, S941L, S824L, S949L.
Identifiers: ClinVar variation 287583 (VCV000287583.11), dbSNP rs778403528, ClinGen allele CA8046423.
Genomic context (GRCh38, chr16:49,636,330, plus strand): 5'-CACATGTAGTGCTTGGCAGGGCCCCGGTGCGTCTGCAGGTGCTCCCGTAGCCCGTTCTCC[G>A]AGAAGAAAGTCCGTGAACAAACGTTGCACTTGTGACTGCCCTTGATAAACTCAGCCTTCT-3'
Protein context (NP_001366215.1, residues 939-959): KCNVCSRTFF[Ser949Leu]ENGLREHLQT

ClinVar aggregate classification (germline): Uncertain significance. Review status: criteria provided, multiple submitters, no conflicts (2 of 4 stars). 2 submissions from 2 submitters: Uncertain significance (2). Last evaluated 2022-10-07.

Conditions:
Nephronophthisis 14 (NPHP14). Identifiers: Orphanet 2318, MedGen C3539071, MONDO:0013916, OMIM 614844.

Allele frequency attached by ClinVar (database versions not stated): gnomAD exomes 0.00001 and 0.00002; ExAC 0.00002; gnomAD 0.00002; TOPMed 0.00002.
gnomAD v4.1: 16 of 1,612,582 alleles (0.00099%); highest among the groups gnomAD compares: African/African-American, 0.0093%; no homozygotes.

Submissions (2):

Labcorp Genetics (formerly Invitae), Labcorp
Classification: Uncertain significance for Nephronophthisis 14. Last evaluated: 2022-10-07. Review status: criteria provided, single submitter. Criteria: Invitae Variant Classification Sherloc (09022015). Collection method: clinical testing. Allele origin: germline.
Comment: In summary, the available evidence is currently insufficient to determine the role of this variant in disease. Therefore, it has been classified as a Variant of Uncertain Significance. Advanced modeling of protein sequence and biophysical properties (such as structural, functional, and spatial information, amino acid conservation, physicochemical variation, residue mobility, and thermodynamic stability) performed at Invitae indicates that this missense variant is not expected to disrupt ZNF423 protein function. ClinVar contains an entry for this variant (Variation ID: 287583). This variant has not been reported in the literature in individuals affected with ZNF423-related conditions. This variant is present in population databases (rs778403528, gnomAD 0.01%). This sequence change replaces serine, which is neutral and polar, with leucine, which is neutral and non-polar, at codon 941 of the ZNF423 protein (p.Ser941Leu).

Eurofins Ntd Llc (ga)
Classification: Uncertain significance. Last evaluated: 2016-05-24. Review status: criteria provided, single submitter. Criteria: EGL Classification Definitions 2015. Collection method: clinical testing. Allele origin: germline. Observed: 1 variant allele, 1 heterozygote.